The following is an entry in ClinVar:

ClinVar aggregate classification (germline): Uncertain significance. Review status: criteria provided, multiple submitters, no conflicts (2 of 4 stars). 2 submissions from 2 submitters: Uncertain significance (2). Last evaluated 2025-08-01.

Conditions:
Primary ciliary dyskinesia. Also called: Ciliary dyskinesia. Identifiers: Orphanet 244, MedGen C0008780, MONDO:0016575, HP:0012265.

Allele frequency attached by ClinVar (database versions not stated): ExAC 0.00003; gnomAD 0.00003; TOPMed 0.00003; gnomAD exomes 0.00006.
gnomAD v4.1: 81 of 1,612,246 alleles (0.005%); highest among the groups gnomAD compares: Middle Eastern, 0.066%; no homozygotes.

Submissions (2):

Ambry Genetics
Classification: Uncertain significance for Primary ciliary dyskinesia. Last evaluated: 2025-08-01. Review status: criteria provided, single submitter. Criteria: Ambry Variant Classification Scheme 2023. Collection method: clinical testing. Allele origin: germline.

Labcorp Genetics (formerly Invitae), Labcorp
Classification: Uncertain significance for Primary ciliary dyskinesia. Last evaluated: 2023-03-23. Review status: criteria provided, single submitter. Criteria: Invitae Variant Classification Sherloc (09022015). Collection method: clinical testing. Allele origin: germline.
Comment: In summary, the available evidence is currently insufficient to determine the role of this variant in disease. Therefore, it has been classified as a Variant of Uncertain Significance. Advanced modeling of protein sequence and biophysical properties (such as structural, functional, and spatial information, amino acid conservation, physicochemical variation, residue mobility, and thermodynamic stability) performed at Invitae indicates that this missense variant is not expected to disrupt DNAAF3 protein function. ClinVar contains an entry for this variant (Variation ID: 834794). This variant has not been reported in the literature in individuals affected with DNAAF3-related conditions. This variant is present in population databases (rs758103289, gnomAD 0.04%). This sequence change replaces threonine, which is neutral and polar, with methionine, which is neutral and non-polar, at codon 383 of the DNAAF3 protein (p.Thr383Met).

NM_001256715.2(DNAAF3):c.944C>T (p.Thr315Met)

Genes: DNAAF3 (dynein axonemal assembly factor 3; minus strand), DNAAF3-AS1 (DNAAF3 antisense RNA 1; plus strand). Cytogenetic location: 19q13.42.
Variant type: single nucleotide variant.
Coding change: c.944C>T on transcript NM_001256715.2 (MANE Select); coding-DNA position 944, C replaced by T.
Protein change: p.Thr315Met; replaces threonine 315 with methionine.
Molecular consequence: missense variant.
Genome position (GRCh38, 1-based): chr19:55,160,744, G>A on the plus strand (C>T on the coding strand, the complement: DNAAF3 is on the minus strand). VCF-style: chr19-55160744-G-A. GRCh37 (hg19) VCF-style: chr19-55672112-G-A.
Other names: c.782C>T, p.Thr261Met (NM_001256716.2); c.1085C>T, p.Thr362Met (NM_178837.4); c.1148C>T, p.Thr383Met (NM_001256714.1); short protein forms T362M, T261M, T383M, T315M.
Identifiers: ClinVar variation 834794 (VCV000834794.11), dbSNP rs758103289, ClinGen allele CA9667998.
Genomic context (GRCh38, chr19:55,160,744, plus strand): 5'-TCCAGGTCCCCCCCGGTGGCTCTCGCGCGCCCCCAGGCGGCCACGTCGCGGAGCAGCTCC[G>A]TCACGTTGTGTTGAGTGATCTCCCCGGCCGTCTAACAGTAGAAGGGGCGTGGCCAGACGT-3'
Protein context (NP_001243644.1, residues 305-325): TAGEITQHNV[Thr315Met]ELLRDVAAWG